The following is an entry in ClinVar:

ClinVar aggregate classification (germline): Conflicting classifications of pathogenicity. Review status: criteria provided, conflicting classifications (1 of 4 stars). 4 submissions from 4 submitters: Uncertain significance (3); Likely benign (1). Last evaluated 2024-10-29.

Conditions:
Inborn genetic diseases. Identifiers: MedGen C0950123, MeSH D030342.

Allele frequency attached by ClinVar (database versions not stated): gnomAD exomes 0.00009; ExAC 0.00010; gnomAD 0.00012 and 0.00013; TOPMed 0.00012; ESP Exome Variant Server 0.00016; 1000 Genomes Project 0.00020; 1000 Genomes Project 30x 0.00031.
gnomAD v4.1: 319 of 1,554,112 alleles (0.021%); highest among the groups gnomAD compares: Non-Finnish European, 0.026%; no homozygotes.

Submissions (4):

Blueprint Genetics
Classification: Uncertain significance. Last evaluated: 2024-10-29. Review status: criteria provided, single submitter. Criteria: ACMG Guidelines, 2015. Collection method: clinical testing. Allele origin: germline.

Ambry Genetics
Classification: Likely benign for Inborn genetic diseases. Last evaluated: 2022-10-12. Review status: criteria provided, single submitter. Criteria: Ambry Variant Classification Scheme 2023. Collection method: clinical testing. Allele origin: germline.

Labcorp Genetics (formerly Invitae), Labcorp
Classification: Uncertain significance. Last evaluated: 2022-05-03. Review status: criteria provided, single submitter. Criteria: Invitae Variant Classification Sherloc (09022015). Collection method: clinical testing. Allele origin: germline.
Comment: This sequence change replaces arginine, which is basic and polar, with cysteine, which is neutral and slightly polar, at codon 639 of the KATNB1 protein (p.Arg639Cys). This variant is present in population databases (rs142661420, gnomAD 0.02%). This variant has not been reported in the literature in individuals affected with KATNB1-related conditions. ClinVar contains an entry for this variant (Variation ID: 1193713). Algorithms developed to predict the effect of missense changes on protein structure and function (SIFT, PolyPhen-2, Align-GVGD) all suggest that this variant is likely to be disruptive. In summary, the available evidence is currently insufficient to determine the role of this variant in disease. Therefore, it has been classified as a Variant of Uncertain Significance.

GeneDx
Classification: Uncertain significance. Last evaluated: 2021-09-02. Review status: criteria provided, single submitter. Criteria: GeneDx Variant Classification Process June 2021. Collection method: clinical testing. Allele origin: germline. Affected: yes.
Comment: In silico analysis supports that this missense variant has a deleterious effect on protein structure/function; Has not been previously published as pathogenic or benign to our knowledge

NM_005886.3(KATNB1):c.1915C>T (p.Arg639Cys)

Gene: KATNB1 (katanin regulatory subunit B1; plus strand). Cytogenetic location: 16q21.
Variant type: single nucleotide variant.
Coding change: c.1915C>T on transcript NM_005886.3 (MANE Select); coding-DNA position 1915, C replaced by T.
Protein change: p.Arg639Cys; replaces arginine 639 with cysteine.
Molecular consequence: missense variant.
Genome position (GRCh38, 1-based): chr16:57,756,893, C>T. VCF-style: chr16-57756893-C-T. GRCh37 (hg19) VCF-style: chr16-57790805-C-T.
Other names: short protein forms R639C.
Identifiers: ClinVar variation 1193713 (VCV001193713.6), dbSNP rs142661420, ClinGen allele CA8081418.
Genomic context (GRCh38, chr16:57,756,893, plus strand): 5'-TGCTACAAGCAGCTTAAGAGCATCAGCGGCCTGGTCAAGAGCAAGTCAGGCCTGAGCGGC[C>T]GCCATGGCAGTACCTTCCGCGAGCTGCACCTGCTCATGGCCAGTCTGGACTGAGGAAAGC-3'
Protein context (NP_005877.2, residues 629-649): LVKSKSGLSG[Arg639Cys]HGSTFRELHL